The following is an entry in ClinVar:

ClinVar aggregate classification (germline): Conflicting classifications of pathogenicity. Review status: criteria provided, conflicting classifications (1 of 4 stars). 6 submissions from 6 submitters: Uncertain significance (2); Benign (1); Likely benign (2). 1 of the submissions does not count toward it. Last evaluated 2025-09-02.

Conditions:
Ehlers-Danlos syndrome, spondylodysplastic type, 3. Also called: Ehlers-Danlos syndrome, spondylocheirodysplastic type. Identifiers: Orphanet 157965, MedGen C2676510, MONDO:0012873, OMIM 612350.
SLC39A13-related disorder. Also called: SLC39A13-related condition.
Connective tissue disorder. Also called: Connective tissue disease. Identifiers: MedGen C0009782, MONDO:0003900.

Allele frequency attached by ClinVar (database versions not stated): gnomAD 0.00011 and 0.00020; ESP Exome Variant Server 0.00015; TOPMed 0.00015; gnomAD exomes 0.00020 and 0.00041; ExAC 0.00042; 1000 Genomes Project 30x 0.00156; 1000 Genomes Project 0.00160.
gnomAD v4.1: 319 of 1,612,572 alleles (0.02%); highest among the groups gnomAD compares: South Asian, 0.24%; 1 homozygote.

Submissions (6):

Labcorp Genetics (formerly Invitae), Labcorp
Classification: Benign for Ehlers-Danlos syndrome, spondylodysplastic type, 3. Last evaluated: 2025-09-02. Review status: criteria provided, single submitter. Criteria: Invitae Variant Classification Sherloc (09022015). Collection method: clinical testing. Allele origin: germline.

Mayo Clinic Laboratories, Mayo Clinic
Classification: Likely benign. Last evaluated: 2025-04-29. Review status: criteria provided, single submitter. Criteria: ACMG Guidelines, 2015. Collection method: clinical testing. Allele origin: germline. Observed: 1 variant allele.
Comment: BP4, BP7

Genome Diagnostics Laboratory, The Hospital for Sick Children
Classification: Uncertain significance for Connective tissue disorder. Last evaluated: 2019-03-01. Review status: criteria provided, single submitter. Criteria: ACMG Guidelines, 2015. Collection method: clinical testing. Allele origin: germline.

GeneDx
Classification: Likely benign. Last evaluated: 2018-11-29. Review status: criteria provided, single submitter. Criteria: GeneDx Variant Classification Process June 2021. Collection method: clinical testing. Allele origin: germline. Affected: yes.

Eurofins Ntd Llc (ga)
Classification: Uncertain significance. Last evaluated: 2017-10-23. Review status: criteria provided, single submitter. Criteria: EGL Classification Definitions 2015. Collection method: clinical testing. Allele origin: germline. Observed: 1 variant allele, 1 heterozygote.

PreventionGenetics, part of Exact Sciences
Classification: Likely benign for SLC39A13-related condition. Last evaluated: 2019-03-22. Review status: no assertion criteria provided. Collection method: clinical testing. Allele origin: germline. Not counted in ClinVar's aggregate classification.
Comment: This variant is classified as likely benign based on ACMG/AMP sequence variant interpretation guidelines (Richards et al. 2015 PMID: 25741868, with internal and published modifications).

NM_001128225.3(SLC39A13):c.888C>T (p.Phe296=)

Gene: SLC39A13 (solute carrier family 39 member 13; plus strand). Cytogenetic location: 11p11.2.
Variant type: single nucleotide variant.
Coding change: c.888C>T on transcript NM_001128225.3 (MANE Select); coding-DNA position 888, C replaced by T.
Protein change: p.Phe296=; no amino-acid change (phenylalanine 296 retained).
Molecular consequence: synonymous variant. On other transcripts: non-coding transcript variant (1).
Genome position (GRCh38, 1-based): chr11:47,414,878, C>T. VCF-style: chr11-47414878-C-T. GRCh37 (hg19) VCF-style: chr11-47436429-C-T.
Other names: p.Phe296=; c.888C>T, p.Phe296= (NM_001330245.2, NM_152264.5).
Identifiers: ClinVar variation 508857 (VCV000508857.23), dbSNP rs150556863, ClinGen allele CA5975974.